The following is an entry in ClinVar:

ClinVar aggregate classification (germline): Uncertain significance (1 of 4 stars; one submission).

Allele frequency attached by ClinVar (database versions not stated): gnomAD exomes below 0.00001; TOPMed below 0.00001.

Submission:

Center for Pediatric Genomic Medicine, Children's Mercy Hospital and Clinics
Classification: Uncertain significance. Last evaluated: 2016-06-21. Review status: criteria provided, single submitter. Criteria: ACMG Guidelines, 2015. Collection method: clinical testing. Allele origin: germline.
ClinVar note: Converted during submission from Uncertain Significance to Uncertain significance.

NM_000682.7(ADRA2B):c.276C>G (p.Asp92Glu)

Gene: ADRA2B (adrenoceptor alpha 2B; minus strand). Cytogenetic location: 2q11.2.
Variant type: single nucleotide variant.
Coding change: c.276C>G on transcript NM_000682.7 (MANE Select); coding-DNA position 276, C replaced by G.
Protein change: p.Asp92Glu; replaces aspartic acid 92 with glutamic acid.
Molecular consequence: missense variant.
Genome position (GRCh38, 1-based): chr2:96,115,874, G>C on the plus strand (C>G on the coding strand, the complement: ADRA2B is on the minus strand). VCF-style: chr2-96115874-G-C. GRCh37 (hg19) VCF-style: chr2-96781613-G-C.
Other names: short protein forms D92E.
Identifiers: ClinVar variation 376874 (VCV000376874.3), dbSNP rs1057520077, ClinGen allele CA16603195.
Genomic context (GRCh38, chr2:96,115,874, plus strand): 5'-CCAGTAGCGGTCCAGGCTGATGGCGCACAGGTGCACGATGGACGAGGTGCAGAAGAGCAC[G>C]TCGAGCGCCAGGTACACCTCGCACCACGTGCGCCGGAAGTACCAGTAGCCCAGCAGCTCG-3'
Protein context (NP_000673.2, residues 82-102): RTWCEVYLAL[Asp92Glu]VLFCTSSIVH